The following is an entry in ClinVar:

ClinVar aggregate classification (germline): Likely benign. Review status: criteria provided, single submitter (1 of 4 stars). 2 submissions from 2 submitters: Likely benign (1). 1 of the submissions does not count toward it. Last evaluated 2018-01-31.

Conditions:
CCNF-related disorder. Also called: CCNF-related condition.

Allele frequency attached by ClinVar (database versions not stated): 1000 Genomes Project 30x 0.00031; ESP Exome Variant Server 0.00031; gnomAD 0.00032; ExAC 0.00037; 1000 Genomes Project 0.00040; TOPMed 0.00052.
gnomAD v4.1: 720 of 1,612,246 alleles (0.045%); highest among the groups gnomAD compares: East Asian, 0.12%; 1 homozygote.

Submissions (2):

Labcorp Genetics (formerly Invitae), Labcorp
Classification: Likely benign. Last evaluated: 2018-01-31. Review status: criteria provided, single submitter. Criteria: Invitae Variant Classification Sherloc (09022015). Collection method: clinical testing. Allele origin: germline.

PreventionGenetics, part of Exact Sciences
Classification: Likely benign for CCNF-related condition. Last evaluated: 2023-05-17. Review status: no assertion criteria provided. Collection method: clinical testing. Allele origin: germline. Not counted in ClinVar's aggregate classification.
Comment: This variant is classified as likely benign based on ACMG/AMP sequence variant interpretation guidelines (Richards et al. 2015 PMID: 25741868, with internal and published modifications).

NM_001761.3(CCNF):c.2072G>A (p.Arg691Gln)

Genes: CCNF (cyclin F; plus strand), LOC105371050 (uncharacterized LOC105371050; minus strand). Cytogenetic location: 16p13.3.
Variant type: single nucleotide variant.
Coding change: c.2072G>A on transcript NM_001761.3 (MANE Select); coding-DNA position 2072, G replaced by A.
Protein change: p.Arg691Gln; replaces arginine 691 with glutamine.
Molecular consequence: missense variant.
Genome position (GRCh38, 1-based): chr16:2,456,731, G>A. VCF-style: chr16-2456731-G-A. GRCh37 (hg19) VCF-style: chr16-2506732-G-A.
Other names: c.1148G>A, p.Arg383Gln (NM_001323538.2); short protein forms R383Q, R691Q.
Identifiers: ClinVar variation 722268 (VCV000722268.5), dbSNP rs148419125, ClinGen allele CA7842819.